The following is an entry in ClinVar:

NM_007272.3(CTRC):c.703G>C (p.Val235Leu)

Gene: CTRC (chymotrypsin C; plus strand). Cytogenetic location: 1p36.21.
Variant type: single nucleotide variant.
Coding change: c.703G>C on transcript NM_007272.3 (MANE Select); coding-DNA position 703, G replaced by C.
Protein change: p.Val235Leu; replaces valine 235 with leucine.
Molecular consequence: missense variant.
Genome position (GRCh38, 1-based): chr1:15,445,660, G>C. VCF-style: chr1-15445660-G-C. GRCh37 (hg19) VCF-style: chr1-15772155-G-C.
Other names: short protein forms V235L.
Identifiers: ClinVar variation 4825175 (VCV004825175.1).

ClinVar aggregate classification (germline): Uncertain significance (1 of 4 stars; one submission).

Conditions:
Hereditary pancreatitis (PCTT). Also called: Hereditary chronic pancreatitis; PRSS1-Related Hereditary Pancreatitis. Identifiers: Orphanet 676, MedGen C0238339, MONDO:0008185, OMIM 167800.

gnomAD v4.1: 3 of 1,614,188 alleles (0.00019%); highest among the groups gnomAD compares: Non-Finnish European, 0.00025%; 1 homozygote.

Submission:

Ambry Genetics
Classification: Uncertain significance for Hereditary pancreatitis. Last evaluated: 2026-02-10. Review status: criteria provided, single submitter. Criteria: Ambry Variant Classification Scheme 2023. Collection method: clinical testing. Allele origin: germline.
Comment: The p.V235L variant (also known as c.703G>C), located in coding exon 7 of the CTRC gene, results from a G to C substitution at nucleotide position 703. The valine at codon 235 is replaced by leucine, an amino acid with highly similar properties. Other variant(s) at the same codon, p.V235I (c.703G>A), demonstrate an abnormal result in a functional assay (Rosendahl J et al. Nat. Genet., 2008 Jan;40:78-82). This amino acid position is well conserved in available vertebrate species. In addition, the in silico prediction for this alteration is inconclusive. Based on the available evidence, the clinical significance of this variant remains unclear.